The following is an entry in ClinVar:

ClinVar aggregate classification (germline): Uncertain significance. Review status: criteria provided, multiple submitters, no conflicts (2 of 4 stars). 2 submissions from 2 submitters: Uncertain significance (2). Last evaluated 2025-06-23.

Conditions:
DICER1-related tumor predisposition. Also called: DICER1 syndrome; DICER1-related pleuropulmonary blastoma cancer predisposition syndrome. Identifiers: Orphanet 284343, MedGen C3839822, MONDO:0100216.
Hereditary cancer-predisposing syndrome. Also called: Neoplastic Syndromes, Hereditary; Tumor predisposition; Hereditary Cancer Syndrome; Hereditary neoplastic syndrome. Identifiers: Orphanet 140162, MedGen C0027672, MeSH D009386, MONDO:0015356.

Allele frequency attached by ClinVar (database versions not stated): gnomAD exomes below 0.00001; ExAC 0.00001.
gnomAD v4.1: 1 of 1,614,132 alleles (0.000062%); highest among the groups gnomAD compares: Non-Finnish European, 0.000085%; no homozygotes.

Submissions (2):

Labcorp Genetics (formerly Invitae), Labcorp
Classification: Uncertain significance for DICER1-related tumor predisposition. Last evaluated: 2025-06-23. Review status: criteria provided, single submitter. Criteria: Invitae Variant Classification Sherloc (09022015). Collection method: clinical testing. Allele origin: germline.
Comment: This sequence change replaces serine, which is neutral and polar, with asparagine, which is neutral and polar, at codon 1515 of the DICER1 protein (p.Ser1515Asn). This variant is present in population databases (rs761666375, gnomAD 0.0009%). This variant has not been reported in the literature in individuals affected with DICER1-related conditions. ClinVar contains an entry for this variant (Variation ID: 1741381). Invitae Evidence Modeling of protein sequence and biophysical properties (such as structural, functional, and spatial information, amino acid conservation, physicochemical variation, residue mobility, and thermodynamic stability) indicates that this missense variant is not expected to disrupt DICER1 protein function with a negative predictive value of 95%. In summary, the available evidence is currently insufficient to determine the role of this variant in disease. Therefore, it has been classified as a Variant of Uncertain Significance.

Ambry Genetics
Classification: Uncertain significance for Hereditary cancer-predisposing syndrome. Last evaluated: 2022-08-30. Review status: criteria provided, single submitter. Criteria: Ambry Variant Classification Scheme 2023. Collection method: clinical testing. Allele origin: germline.
Comment: The p.S1515N variant (also known as c.4544G>A), located in coding exon 22 of the DICER1 gene, results from a G to A substitution at nucleotide position 4544. The serine at codon 1515 is replaced by asparagine, an amino acid with highly similar properties. This amino acid position is conserved. In addition, the in silico prediction for this alteration is inconclusive. Since supporting evidence is limited at this time, the clinical significance of this alteration remains unclear.

NM_177438.3(DICER1):c.4544G>A (p.Ser1515Asn)

Gene: DICER1 (dicer 1, ribonuclease III; minus strand). Cytogenetic location: 14q32.13.
Variant type: single nucleotide variant.
Coding change: c.4544G>A on transcript NM_177438.3 (MANE Select); coding-DNA position 4544, G replaced by A.
Protein change: p.Ser1515Asn; replaces serine 1515 with asparagine.
Molecular consequence: missense variant. On other transcripts: non-coding transcript variant (6).
Genome position (GRCh38, 1-based): chr14:95,096,376, C>T on the plus strand (G>A on the coding strand, the complement: DICER1 is on the minus strand). VCF-style: chr14-95096376-C-T. GRCh37 (hg19) VCF-style: chr14-95562713-C-T.
Other names: c.4544G>A, p.Ser1515Asn (NM_001195573.1, NM_001271282.3, NM_001291628.2 and 13 more transcripts); c.4262G>A, p.Ser1421Asn (NM_001395686.1); c.4139G>A, p.Ser1380Asn (NM_001395687.1, NM_001395688.1, NM_001395689.1 and 2 more transcripts); c.3977G>A, p.Ser1326Asn (NM_001395691.1); c.2861G>A, p.Ser954Asn (NM_001395697.1); short protein forms S1380N, S1326N, S1515N, S954N, S1421N.
Identifiers: ClinVar variation 1741381 (VCV001741381.4), dbSNP rs761666375, ClinGen allele CA7330833.